The following is an entry in ClinVar:

NM_000053.4(ATP7B):c.3308G>A (p.Gly1103Glu)

Gene: ATP7B (ATPase copper transporting beta; minus strand). Cytogenetic location: 13q14.3.
Variant type: single nucleotide variant.
Coding change: c.3308G>A on transcript NM_000053.4 (MANE Select); coding-DNA position 3308, G replaced by A.
Protein change: p.Gly1103Glu; replaces glycine 1103 with glutamic acid.
Molecular consequence: missense variant.
Genome position (GRCh38, 1-based): chr13:51,942,490, C>T on the plus strand (G>A on the coding strand, the complement: ATP7B is on the minus strand). VCF-style: chr13-51942490-C-T. GRCh37 (hg19) VCF-style: chr13-52516626-C-T.
Other names: c.3308G>A (NM_000053.3); c.2018G>A, p.Gly673Glu (NM_001406548.1); c.2465G>A, p.Gly822Glu (NM_001406547.1); c.2687G>A, p.Gly896Glu (NM_001005918.3); c.2975G>A, p.Gly992Glu (NM_001243182.2); c.3074G>A, p.Gly1025Glu (NM_001330578.2, NM_001406527.1, NM_001406528.1 and 1 more transcripts); c.3056G>A, p.Gly1019Glu (NM_001330579.2, NM_001406531.1, NM_001406532.1); c.3308G>A, p.Gly1103Glu (NM_001406511.1, NM_001406512.1, NM_001406526.1); and 20 more; short protein forms G1007E, G1019E, G1023E, G1025E, G1038E, G1042E, G1044E, G1055E.
Identifiers: ClinVar variation 3075596 (VCV003075596.2), dbSNP rs2547612848, ClinGen allele CA388028493.
Genomic context (GRCh38, chr13:51,942,490, plus strand): 5'-GGTGCACTCAAAGGGCGCTCACTGTGGGCCAGGATGCCTTCCACGTTGCTGACTTTGCAC[C>T]CAATTCCACAGCCTGGCACTGCCTGGAAGTCCGTGCAGTATCCCAAGGTCTCTGTTCCAA-3'
Protein context (NP_000044.2, residues 1093-1113): DFQAVPGCGI[Gly1103Glu]CKVSNVEGIL

ClinVar aggregate classification (germline): Uncertain significance. Review status: criteria provided, multiple submitters, no conflicts (2 of 4 stars). 2 submissions from 2 submitters: Uncertain significance (2). Last evaluated 2023-12-16.

Conditions:
Inborn genetic diseases. Identifiers: MedGen C0950123, MeSH D030342.
Wilson disease (WND). Also called: Wilson's disease. Identifiers: Orphanet 905, MedGen C0019202, MONDO:0010200, OMIM 277900. Disease mechanism: loss of function.

Submissions (2):

Ambry Genetics
Classification: Uncertain significance for Inborn genetic diseases. Last evaluated: 2023-12-16. Review status: criteria provided, single submitter. Criteria: Ambry Variant Classification Scheme 2023. Collection method: clinical testing. Allele origin: germline.

All of Us Research Program, National Institutes of Health
Classification: Uncertain significance for Wilson disease. Last evaluated: 2023-05-30. Review status: criteria provided, single submitter. Criteria: ACMG Guidelines, 2015. Collection method: clinical testing. Allele origin: germline. Inheritance: Autosomal recessive inheritance. Observed: 1 variant allele, 1 heterozygote.
Comment: This missense variant replaces glycine with glutamic acid at codon 1103 of the ATP7B protein. Computational prediction suggests that this variant may not impact protein structure and function (internally defined REVEL score threshold <= 0.5, PMID: 27666373). To our knowledge, functional studies have not been reported for this variant. This variant has not been reported in individuals affected with ATP7B-related disorders in the literature. This variant has not been identified in the general population by the Genome Aggregation Database (gnomAD). The available evidence is insufficient to determine the role of this variant in disease conclusively. Therefore, this variant is classified as a Variant of Uncertain Significance.

This study involves interpretation of variants in research participants for the purpose of population health screening. Participant phenotype was not available at the time of variant classification. Additional details can be found in publication PMID: 35346344, PMCID: PMC8962531